The following is an entry in ClinVar:

NM_001048174.2(MUTYH):c.1297G>C (p.Glu433Gln)

Gene: MUTYH (mutY DNA glycosylase; minus strand). Cytogenetic location: 1p34.1.
Variant type: single nucleotide variant.
Coding change: c.1297G>C on transcript NM_001048174.2 (MANE Select); coding-DNA position 1297, G replaced by C.
Protein change: p.Glu433Gln; replaces glutamic acid 433 with glutamine.
Molecular consequence: missense variant. On other transcripts: non-coding transcript variant (7).
Genome position (GRCh38, 1-based): chr1:45,331,277, C>G on the plus strand (G>C on the coding strand, the complement: MUTYH is on the minus strand). VCF-style: chr1-45331277-C-G. GRCh37 (hg19) VCF-style: chr1-45796949-C-G.
Other names: c.1255G>C, p.Glu419Gln (NM_001407080.1); c.1297G>C, p.Glu433Gln (NM_001407081.1, NM_001407088.1, NM_001407089.1 and 6 more transcripts); c.952G>C, p.Glu318Gln (NM_001407082.1, NM_001350650.2, NM_001350651.2); c.1339G>C, p.Glu447Gln (NM_001407083.1, NM_001407085.1); c.1300G>C, p.Glu434Gln (NM_001407086.1, NM_001407078.1, NM_001048172.2 and 1 more transcripts); c.1318G>C, p.Glu440Gln (NM_001407087.1); c.1021G>C, p.Glu341Gln (NM_001407091.1, NM_001293192.2, NM_001293196.2); c.1372G>C, p.Glu458Gln (NM_012222.3); and 5 more; short protein forms E405Q, E419Q, E434Q, E318Q, E444Q, E341Q, E433Q, E447Q.
Identifiers: ClinVar variation 4113202 (VCV004113202.1).

ClinVar aggregate classification (germline): Uncertain significance (1 of 4 stars; one submission).

Conditions:
Hereditary cancer-predisposing syndrome. Also called: Tumor predisposition; Neoplastic Syndromes, Hereditary; Hereditary neoplastic syndrome; Hereditary Cancer Syndrome. Identifiers: Orphanet 140162, MedGen C0027672, MeSH D009386, MONDO:0015356.

Submission:

Ambry Genetics
Classification: Uncertain significance for Hereditary cancer-predisposing syndrome. Last evaluated: 2025-08-27. Review status: criteria provided, single submitter. Criteria: Ambry Variant Classification Scheme 2023. Collection method: clinical testing. Allele origin: germline.
Comment: The p.E461Q variant (also known as c.1381G>C), located in coding exon 14 of the MUTYH gene, results from a G to C substitution at nucleotide position 1381. The glutamic acid at codon 461 is replaced by glutamine, an amino acid with highly similar properties. This amino acid position is conserved. In addition, the in silico prediction for this alteration is inconclusive. Based on the available evidence, the clinical significance of this variant remains unclear.